The following is an entry in ClinVar:

ClinVar aggregate classification (germline): Benign/Likely benign. Review status: criteria provided, multiple submitters, no conflicts (2 of 4 stars). 13 submissions from 13 submitters: Benign (2); Likely benign (6). 5 of the submissions do not count toward it. Last evaluated 2026-01-28.

Conditions:
ADGRV1-related disorder. Also called: ADGRV1-related condition; ADGRV1-related disorders.
Usher syndrome type 2C. Also called: Usher syndrome, type 2B; USHER SYNDROME, TYPE IIC. Identifiers: Orphanet 231178, Orphanet 886, MedGen C2931213, MONDO:0011558, OMIM 605472.

Allele frequency attached by ClinVar (database versions not stated): gnomAD exomes 0.00045; ExAC 0.00051; 1000 Genomes Project 0.00160; ESP Exome Variant Server 0.00167; 1000 Genomes Project 30x 0.00172; gnomAD 0.00180 and 0.00192; TOPMed 0.00201.
gnomAD v4.1: 555 of 1,613,048 alleles (0.034%); highest among the groups gnomAD compares: African/African-American, 0.57%; 2 homozygotes.

Submissions (13):

Labcorp Genetics (formerly Invitae), Labcorp
Classification: Likely benign. Last evaluated: 2026-01-28. Review status: criteria provided, single submitter. Criteria: Invitae Variant Classification Sherloc (09022015). Collection method: clinical testing. Allele origin: germline.

Illumina Laboratory Services, Illumina
Classification: Benign for Usher syndrome type 2C. Last evaluated: 2025-04-08. Review status: criteria provided, single submitter. Criteria: ICSLVariantClassificationCriteria RUGD 01 April 2020. Collection method: clinical testing. Allele origin: unknown.

CeGaT Center for Human Genetics Tuebingen
Classification: Likely benign. Last evaluated: 2025-03-01. Review status: criteria provided, single submitter. Criteria: CeGaT Center For Human Genetics Tuebingen Variant Classification Criteria Version 2. Collection method: clinical testing. Allele origin: germline. Affected: yes. Observed: 1 variant allele.
Comment: ADGRV1: BP4, BS2

Blueprint Genetics
Classification: Likely benign. Last evaluated: 2024-09-18. Review status: criteria provided, single submitter. Criteria: ACMG Guidelines, 2015. Collection method: clinical testing. Allele origin: germline.

GeneDx
Classification: Benign. Last evaluated: 2019-05-22. Review status: criteria provided, single submitter. Criteria: GeneDx Variant Classification Process June 2021. Collection method: clinical testing. Allele origin: germline. Affected: yes.

Athena Diagnostics
Classification: Likely benign. Last evaluated: 2017-12-14. Review status: criteria provided, single submitter. Criteria: Athena Diagnostics Criteria. Collection method: clinical testing. Allele origin: germline.

Eurofins Ntd Llc (ga)
Classification: Likely benign. Last evaluated: 2016-09-16. Review status: criteria provided, single submitter. Criteria: EGL Classification Definitions 2015. Collection method: clinical testing. Allele origin: germline. Observed: 1 variant allele, 1 heterozygote.

Laboratory for Molecular Medicine, Mass General Brigham Personalized Medicine
Classification: Likely benign. Last evaluated: 2012-04-30. Review status: criteria provided, single submitter. Criteria: LMM Criteria. Collection method: clinical testing. Allele origin: germline. Observed: 1 variant allele.
Comment: 12527+6G>T in Intron 61 of GPR98: This variant is not expected to have clinical significance because it has been identified in 0.6% (17/3032) of African America n chromosomes from a broad population by the NHLBI Exome Sequencing Project (dbSNP rs141701016).

PreventionGenetics, part of Exact Sciences
Classification: Likely benign for ADGRV1-related condition. Last evaluated: 2019-03-20. Review status: no assertion criteria provided. Collection method: clinical testing. Allele origin: germline. Not counted in ClinVar's aggregate classification.
Comment: This variant is classified as likely benign based on ACMG/AMP sequence variant interpretation guidelines (Richards et al. 2015 PMID: 25741868, with internal and published modifications).

Clinical Genetics DNA and cytogenetics Diagnostics Lab, Erasmus MC, Erasmus Medical Center
Classification: Likely benign. Review status: no assertion criteria provided. Collection method: clinical testing. Allele origin: germline. Affected: yes. Study: VKGL Data-share Consensus. Not counted in ClinVar's aggregate classification.

Clinical Genetics, Academic Medical Center
Classification: Benign. Review status: no assertion criteria provided. Collection method: clinical testing. Allele origin: germline. Affected: yes. Study: VKGL Data-share Consensus. Not counted in ClinVar's aggregate classification.

Genome Diagnostics Laboratory, University Medical Center Utrecht
Classification: Likely benign. Review status: no assertion criteria provided. Collection method: clinical testing. Allele origin: germline. Affected: yes. Study: VKGL Data-share Consensus. Not counted in ClinVar's aggregate classification.

Genetic Services Laboratory, University of Chicago
Classification: Uncertain significance. Last evaluated: 2015-08-06. Review status: flagged submission. Criteria: ACMG Guidelines, 2015. Collection method: clinical testing. Allele origin: germline. Affected: no. Not counted in ClinVar's aggregate classification.
ClinVar note: Reason: Outlier claim with insufficient supporting evidence

NM_032119.4(ADGRV1):c.12527+6G>T

Gene: ADGRV1 (adhesion G protein-coupled receptor V1; plus strand). Cytogenetic location: 5q14.3.
Variant type: single nucleotide variant.
Coding change: c.12527+6G>T on transcript NM_032119.4 (MANE Select); 6 bases into the intron after coding-DNA position 12527, G replaced by T.
Molecular consequence: intron variant.
Genome position (GRCh38, 1-based): chr5:90,776,582, G>T. VCF-style: chr5-90776582-G-T. GRCh37 (hg19) VCF-style: chr5-90072399-G-T.
Identifiers: ClinVar variation 178367 (VCV000178367.42), dbSNP rs141701016, ClinGen allele CA182193.